The following is an entry in ClinVar:

ClinVar aggregate classification (germline): Uncertain significance (1 of 4 stars; one submission).

Allele frequency attached by ClinVar (database versions not stated): TOPMed below 0.00001; ExAC 0.00001; gnomAD 0.00001.
gnomAD v4.1: 8 of 1,613,322 alleles (0.0005%); highest among the groups gnomAD compares: Non-Finnish European, 0.00059%; no homozygotes.

Submission:

Labcorp Genetics (formerly Invitae), Labcorp
Classification: Uncertain significance. Last evaluated: 2022-05-30. Review status: criteria provided, single submitter. Criteria: Invitae Variant Classification Sherloc (09022015). Collection method: clinical testing. Allele origin: germline.
Comment: In summary, the available evidence is currently insufficient to determine the role of this variant in disease. Therefore, it has been classified as a Variant of Uncertain Significance. Algorithms developed to predict the effect of missense changes on protein structure and function are either unavailable or do not agree on the potential impact of this missense change (SIFT: "Deleterious"; PolyPhen-2: "Possibly Damaging"; Align-GVGD: "Class C0"). This variant has not been reported in the literature in individuals affected with PAX1-related conditions. This variant is present in population databases (rs781605270, gnomAD 0.006%). This sequence change replaces proline, which is neutral and non-polar, with leucine, which is neutral and non-polar, at codon 241 of the PAX1 protein (p.Pro241Leu).

NM_001257096.2(PAX1):c.722C>T (p.Pro241Leu)

Gene: PAX1 (paired box 1; plus strand). Cytogenetic location: 20p11.22.
Variant type: single nucleotide variant.
Coding change: c.722C>T on transcript NM_001257096.2 (MANE Select); coding-DNA position 722, C replaced by T.
Protein change: p.Pro241Leu; replaces proline 241 with leucine.
Molecular consequence: missense variant.
Genome position (GRCh38, 1-based): chr20:21,706,873, C>T. VCF-style: chr20-21706873-C-T. GRCh37 (hg19) VCF-style: chr20-21687511-C-T.
Other names: c.722C>T, p.Pro241Leu (NM_006192.5); short protein forms P241L.
Identifiers: ClinVar variation 1930970 (VCV001930970.5), dbSNP rs781605270, ClinGen allele CA9786547.